The following is an entry in ClinVar:

NM_001291303.3(FAT4):c.12955G>A (p.Val4319Ile)

Gene: FAT4 (FAT atypical cadherin 4; plus strand). Cytogenetic location: 4q28.1.
Variant type: single nucleotide variant.
Coding change: c.12955G>A on transcript NM_001291303.3 (MANE Select); coding-DNA position 12955, G replaced by A.
Protein change: p.Val4319Ile; replaces valine 4319 with isoleucine.
Molecular consequence: missense variant.
Genome position (GRCh38, 1-based): chr4:125,487,477, G>A. VCF-style: chr4-125487477-G-A. GRCh37 (hg19) VCF-style: chr4-126408632-G-A.
Other names: c.12955G>A, p.Val4319Ile (NM_001291285.3); c.12949G>A, p.Val4317Ile (NM_024582.6); short protein forms V4317I, V4319I.
Identifiers: ClinVar variation 4057113 (VCV004057113.1).
Genomic context (GRCh38, chr4:125,487,477, plus strand): 5'-GTATATGTTGCAGACGGCCACTGGCACACTTTTCTAATTGGGAAAAATGGAACAGCAACA[G>A]TATTGTCTGTTGACAGAATATATAACAGAGATATTATCCACCCTACTCAGGACTTCGGTG-3'
Protein context (NP_001278232.1, residues 4309-4329): FLIGKNGTAT[Val4319Ile]LSVDRIYNRD

ClinVar aggregate classification (germline): Uncertain significance (1 of 4 stars; one submission).

Submission:

GeneDx
Classification: Uncertain significance. Last evaluated: 2025-01-09. Review status: criteria provided, single submitter. Criteria: GeneDx Variant Classification Process June 2021. Collection method: clinical testing. Allele origin: germline. Affected: yes.
Comment: Not observed at significant frequency in large population cohorts (gnomAD); In silico analysis indicates that this missense variant does not alter protein structure/function; Has not been previously published as pathogenic or benign to our knowledge